The following is an entry in ClinVar:

NM_001018115.3(FANCD2):c.3958C>T (p.His1320Tyr)

Genes: FANCD2 (FA complementation group D2; plus strand), FANCD2OS (FANCD2 opposite strand; minus strand). Cytogenetic location: 3p25.3.
Variant type: single nucleotide variant.
Coding change: c.3958C>T on transcript NM_001018115.3 (MANE Select); coding-DNA position 3958, C replaced by T.
Protein change: p.His1320Tyr; replaces histidine 1320 with tyrosine.
Molecular consequence: missense variant. On other transcripts: intron variant (1).
Genome position (GRCh38, 1-based): chr3:10,094,358, C>T. VCF-style: chr3-10094358-C-T. GRCh37 (hg19) VCF-style: chr3-10136042-C-T.
Other names: c.3958C>T, p.His1320Tyr (NM_033084.6, NM_001319984.2); c.*43+9840G>A (NM_173472.2); c.3847C>T, p.His1283Tyr (NM_001374253.1); c.3919C>T, p.His1307Tyr (NM_001374254.1); short protein forms H1283Y, H1307Y, H1320Y.
Identifiers: ClinVar variation 1489792 (VCV001489792.8), dbSNP rs2125090799, ClinGen allele CA351756653.
Genomic context (GRCh38, chr3:10,094,358, plus strand): 5'-CTCTTTGTGGAAGCATTTCTGAAGCAATGTATGCCGCTCCTAGACTTCAGTTTTAGAAAA[C>T]ACCGGGTAAGAGCTAAGAGCAGAGAACAAAGATATGCACTGAAGAGTTGCTCAGAAGATA-3'
Protein context (NP_001018125.1, residues 1310-1330): MPLLDFSFRK[His1320Tyr]REDVLSLLET

ClinVar aggregate classification (germline): Uncertain significance (1 of 4 stars; one submission).

Conditions:
Fanconi anemia (FA). Also called: Fanconi's anemia. Identifiers: Orphanet 84, MedGen C0015625, MeSH D005199, MONDO:0019391.

Submission:

Labcorp Genetics (formerly Invitae), Labcorp
Classification: Uncertain significance for Fanconi anemia. Last evaluated: 2021-02-18. Review status: criteria provided, single submitter. Criteria: Invitae Variant Classification Sherloc (09022015). Collection method: clinical testing. Allele origin: germline.
Comment: This variant has not been reported in the literature in individuals with FANCD2-related conditions. In summary, the available evidence is currently insufficient to determine the role of this variant in disease. Therefore, it has been classified as a Variant of Uncertain Significance. Algorithms developed to predict the effect of missense changes on protein structure and function are either unavailable or do not agree on the potential impact of this missense change (SIFT: "Deleterious"; PolyPhen-2: "Possibly Damaging"; Align-GVGD: "Class C0"). This variant is not present in population databases (ExAC no frequency). This sequence change replaces histidine with tyrosine at codon 1320 of the FANCD2 protein (p.His1320Tyr). The histidine residue is highly conserved and there is a moderate physicochemical difference between histidine and tyrosine.